The following is an entry in ClinVar:

NM_000540.3(RYR1):c.8601G>C (p.Leu2867=)

Genes: RYR1 (ryanodine receptor 1; plus strand), LOC126862902 (BRD4-independent group 4 enhancer GRCh37_chr19:38995830-38997029; plus strand). Cytogenetic location: 19q13.2.
Variant type: single nucleotide variant.
Coding change: c.8601G>C on transcript NM_000540.3 (MANE Select); coding-DNA position 8601, G replaced by C.
Protein change: p.Leu2867=; no amino-acid change (leucine 2867 retained).
Molecular consequence: synonymous variant.
Genome position (GRCh38, 1-based): chr19:38,506,362, G>C. VCF-style: chr19-38506362-G-C. GRCh37 (hg19) VCF-style: chr19-38997002-G-C.
Other names: c.8601G>C, p.Leu2867= (NM_001042723.2).
Identifiers: ClinVar variation 2649805 (VCV002649805.27), dbSNP rs1268095110, ClinGen allele CA507245282.

ClinVar aggregate classification (germline): Likely benign. Review status: criteria provided, multiple submitters, no conflicts (2 of 4 stars). 3 submissions from 3 submitters: Likely benign (3). Last evaluated 2024-09-04.

Conditions:
RYR1-related disorder. Also called: RYR1-related condition; RYR1-related disorders. Identifiers: MedGen CN239331.
Malignant hyperthermia, susceptibility to, 1 (MHS1). Also called: Anesthesia related hyperthermia; Malignant hyperpyrexia; Fulminating hyperpyrexia; Pharmacogenic myopathy; RYR1-Related Malignant Hyperthermia Susceptibility; Malignant hyperthermia suceptibility 1. Identifiers: Orphanet 423, MedGen C2930980, MONDO:0007783, OMIM 145600.

Submissions (3):

Labcorp Genetics (formerly Invitae), Labcorp
Classification: Likely benign for RYR1-related disorder. Last evaluated: 2024-09-04. Review status: criteria provided, single submitter. Criteria: Invitae Variant Classification Sherloc (09022015). Collection method: clinical testing. Allele origin: germline.

All of Us Research Program, National Institutes of Health
Classification: Likely benign for Malignant hyperthermia, susceptibility to, 1. Last evaluated: 2023-07-10. Review status: criteria provided, single submitter. Criteria: ACMG Guidelines, 2015. Collection method: clinical testing. Allele origin: germline. Inheritance: Autosomal dominant inheritance. Observed: 1 variant allele, 1 heterozygote.
Comment: This study involves interpretation of variants in research participants for the purpose of population health screening. Participant phenotype was not available at the time of variant classification. Additional details can be found in publication PMID: 35346344, PMCID: PMC8962531

CeGaT Center for Human Genetics Tuebingen
Classification: Likely benign. Last evaluated: 2022-03-01. Review status: criteria provided, single submitter. Criteria: CeGaT Center For Human Genetics Tuebingen Variant Classification Criteria Version 2. Collection method: clinical testing. Allele origin: germline. Affected: yes. Observed: 1 variant allele.
Comment: RYR1: BP4, BP7